The following is an entry in ClinVar:

NM_000535.7(PMS2):c.730C>A (p.Gln244Lys)

Gene: PMS2 (PMS1 homolog 2, mismatch repair system component; minus strand). Cytogenetic location: 7p22.1.
Variant type: single nucleotide variant.
Coding change: c.730C>A on transcript NM_000535.7 (MANE Select); coding-DNA position 730, C replaced by A.
Protein change: p.Gln244Lys; replaces glutamine 244 with lysine.
Molecular consequence: missense variant. On other transcripts: 5 prime UTR variant (2), non-coding transcript variant (1).
Genome position (GRCh38, 1-based): chr7:5,997,399, G>T on the plus strand (C>A on the coding strand, the complement: PMS2 is on the minus strand). VCF-style: chr7-5997399-G-T. GRCh37 (hg19) VCF-style: chr7-6037030-G-T.
Other names: c.325C>A, p.Gln109Lys (NM_001018040.1, NM_001322003.2, NM_001322004.2 and 20 more transcripts); c.730C>A, p.Gln244Lys (NM_001322006.2, NM_001322014.2, NM_001406870.1 and 3 more transcripts); c.412C>A, p.Gln138Lys (NM_001322007.2, NM_001322008.2, NM_001406876.1 and 4 more transcripts); c.-204C>A (NM_001322011.2, NM_001322012.2); c.157C>A, p.Gln53Lys (NM_001322013.2, NM_001406909.1); c.421C>A, p.Gln141Lys (NM_001322015.2, NM_001406875.1, NM_001406877.1 and 6 more transcripts); c.916C>A, p.Gln306Lys (NM_001406866.1); c.754C>A, p.Gln252Lys (NM_001406868.1); and 4 more; short protein forms Q132K, Q138K, Q141K, Q244K, Q306K, Q53K, Q73K, Q109K.
Identifiers: ClinVar variation 1758246 (VCV001758246.3), dbSNP rs1562671039, ClinGen allele CA366743751.

ClinVar aggregate classification (germline): Uncertain significance (1 of 4 stars; one submission).

Conditions:
Hereditary cancer-predisposing syndrome. Also called: Neoplastic Syndromes, Hereditary; Tumor predisposition; Hereditary Cancer Syndrome; Hereditary neoplastic syndrome. Identifiers: Orphanet 140162, MedGen C0027672, MeSH D009386, MONDO:0015356.

Submission:

Ambry Genetics
Classification: Uncertain significance for Hereditary cancer-predisposing syndrome. Last evaluated: 2024-11-13. Review status: criteria provided, single submitter. Criteria: Ambry Variant Classification Scheme 2023. Collection method: clinical testing. Allele origin: germline.
Comment: The p.Q244K variant (also known as c.730C>A), located in coding exon 7 of the PMS2 gene, results from a C to A substitution at nucleotide position 730. The glutamine at codon 244 is replaced by lysine, an amino acid with similar properties. This amino acid position is conserved. In addition, this alteration is predicted to be deleterious by in silico analysis. Since supporting evidence is limited at this time, the clinical significance of this alteration remains unclear.